The following is an entry in ClinVar:

ClinVar aggregate classification (germline): Uncertain significance. Review status: criteria provided, multiple submitters, no conflicts (2 of 4 stars). 2 submissions from 2 submitters: Uncertain significance (2). Last evaluated 2024-01-27.

Allele frequency attached by ClinVar (database versions not stated): gnomAD exomes below 0.00001; TOPMed below 0.00001.
gnomAD v4.1: 2 of 1,612,702 alleles (0.00012%); highest among the groups gnomAD compares: East Asian, 0.0022%; no homozygotes.

Submissions (2):

Ambry Genetics
Classification: Uncertain significance. Last evaluated: 2024-01-27. Review status: criteria provided, single submitter. Criteria: Ambry Variant Classification Scheme 2023. Collection method: clinical testing. Allele origin: germline.
Comment: The p.M410V variant (also known as c.1228A>G), located in coding exon 10 of the RECQL gene, results from an A to G substitution at nucleotide position 1228. The methionine at codon 410 is replaced by valine, an amino acid with highly similar properties. This amino acid position is conserved. In addition, this alteration is predicted to be tolerated by in silico analysis. Since supporting evidence is limited at this time, the clinical significance of this alteration remains unclear.

Labcorp Genetics (formerly Invitae), Labcorp
Classification: Uncertain significance. Last evaluated: 2022-08-09. Review status: criteria provided, single submitter. Criteria: Invitae Variant Classification Sherloc (09022015). Collection method: clinical testing. Allele origin: germline.
Comment: In summary, the available evidence is currently insufficient to determine the role of this variant in disease. Therefore, it has been classified as a Variant of Uncertain Significance. Algorithms developed to predict the effect of missense changes on protein structure and function output the following: SIFT: "Tolerated"; PolyPhen-2: "Benign"; Align-GVGD: "Class C0". The valine amino acid residue is found in multiple mammalian species, which suggests that this missense change does not adversely affect protein function. This variant has not been reported in the literature in individuals affected with RECQL-related conditions. This variant is not present in population databases (gnomAD no frequency). This sequence change replaces methionine, which is neutral and non-polar, with valine, which is neutral and non-polar, at codon 410 of the RECQL protein (p.Met410Val).

NM_002907.4(RECQL):c.1228A>G (p.Met410Val)

Gene: RECQL (RecQ like helicase; minus strand). Cytogenetic location: 12p12.1.
Variant type: single nucleotide variant.
Coding change: c.1228A>G on transcript NM_002907.4 (MANE Select); coding-DNA position 1228, A replaced by G.
Protein change: p.Met410Val; replaces methionine 410 with valine.
Molecular consequence: missense variant.
Genome position (GRCh38, 1-based): chr12:21,474,968, T>C on the plus strand (A>G on the coding strand, the complement: RECQL is on the minus strand). VCF-style: chr12-21474968-T-C. GRCh37 (hg19) VCF-style: chr12-21627902-T-C.
Other names: c.1228A>G, p.Met410Val (NM_032941.3); short protein forms M410V.
Identifiers: ClinVar variation 1754754 (VCV001754754.7), dbSNP rs1943054129, ClinGen allele CA384118958.